The following is an entry in ClinVar:

ClinVar aggregate classification (germline): Uncertain significance (1 of 4 stars; one submission).

Conditions:
Inborn genetic diseases. Identifiers: MedGen C0950123, MeSH D030342.

Submission:

Ambry Genetics
Classification: Uncertain significance for Inborn genetic diseases. Last evaluated: 2026-06-12. Review status: criteria provided, single submitter. Criteria: Ambry Variant Classification Scheme 2023. Collection method: clinical testing. Allele origin: germline.
Comment: The p.T1600P variant (also known as c.4798A>C), located in coding exon 20 of the FANCM gene, results from an A to C substitution at nucleotide position 4798. The threonine at codon 1600 is replaced by proline, an amino acid with highly similar properties. This amino acid position is conserved. In addition, this alteration is predicted to be tolerated by in silico analysis. Based on the available evidence, the clinical significance of this variant remains unclear.

NM_020937.4(FANCM):c.4798A>C (p.Thr1600Pro)

Gene: FANCM (FA complementation group M; plus strand). Cytogenetic location: 14q21.2.
Variant type: single nucleotide variant.
Coding change: c.4798A>C on transcript NM_020937.4 (MANE Select); coding-DNA position 4798, A replaced by C.
Protein change: p.Thr1600Pro; replaces threonine 1600 with proline.
Molecular consequence: missense variant.
Genome position (GRCh38, 1-based): chr14:45,188,820, A>C. VCF-style: chr14-45188820-A-C. GRCh37 (hg19) VCF-style: chr14-45658023-A-C.
Other names: c.4720A>C, p.Thr1574Pro (NM_001308133.2); short protein forms T1574P, T1600P.
Identifiers: ClinVar variation 4871191 (VCV004871191.1).
Genomic context (GRCh38, chr14:45,188,820, plus strand): 5'-TGTCTGAAATAAATATAAAACATTCTTGTGTTTTTATTGTAGATTCCTGAACAAGATGAA[A>C]CCTATTTAGAGGATAGTTTTTGTGTTGATGAAGAGGAGTCTTGCAAAGGCCAATCAAGTG-3'
Protein context (NP_065988.1, residues 1590-1610): IFSQIPEQDE[Thr1600Pro]YLEDSFCVDE